The following is an entry in ClinVar:

NM_000166.6(GJB1):c.394_395del (p.Trp132fs)

Gene: GJB1 (gap junction protein beta 1; plus strand). Cytogenetic location: Xq13.1.
Variant type: Microsatellite.
Coding change: c.394_395del on transcript NM_000166.6 (MANE Select); coding-DNA positions 394 to 395, 2 bases deleted (TG; older notation c.394_395delTG).
Protein change: p.Trp132fs; shifts the reading frame from tryptophan 132.
Molecular consequence: frameshift variant.
Genome position (GRCh38, 1-based): chrX:71,224,101-71,224,102, TG deleted; deleting any 2 consecutive bases within chrX:71,224,099-71,224,102 gives the same sequence; the c. name uses the placement nearest the transcript's 3' end. VCF-style (leftmost placement, unchanged base first): chrX-71224098-CTG-C. GRCh37 (hg19) VCF-style: chrX-70443948-CTG-C.
Other names: c.394_395del, p.Trp132fs (NM_001097642.3); short protein forms W132fs.
Identifiers: ClinVar variation 521808 (VCV000521808.12), dbSNP rs1555937168, ClinGen allele CA658799793.

ClinVar aggregate classification (germline): Pathogenic. Review status: criteria provided, multiple submitters, no conflicts (2 of 4 stars). 5 submissions from 5 submitters: Pathogenic (3). 2 of the submissions do not count toward it. Last evaluated 2021-12-24.

Conditions:
Inborn genetic diseases. Identifiers: MedGen C0950123, MeSH D030342.
Charcot-Marie-Tooth disease. Also called: Charcot-Marie-Tooth Hereditary Neuropathy; Charcot-Marie-Tooth Neuropathy. Identifiers: Orphanet 166, MedGen C0007959, MONDO:0015626.
Charcot-Marie-Tooth Neuropathy X. Identifiers: MedGen CN118851.
Charcot-Marie-Tooth disease X-linked dominant 1. Also called: GJB1 Disorders: Charcot-Marie-Tooth Neuropathy (CMT1X) and Central Nervous System Phenotypes; X-linked Charcot-Marie-Tooth disease type 1; CHARCOT-MARIE-TOOTH NEUROPATHY, X-LINKED, 1; CHARCOT-MARIE-TOOTH PERONEAL MUSCULAR ATROPHY, X-LINKED; HEREDITARY MOTOR AND SENSORY NEUROPATHY, X-LINKED; HMSN, X-LINKED. Identifiers: Orphanet 101075, MedGen C0393808, MONDO:0010549, OMIM 302800.

Submissions (5):

Labcorp Genetics (formerly Invitae), Labcorp
Classification: Pathogenic for Charcot-Marie-Tooth Neuropathy X. Last evaluated: 2021-12-24. Review status: criteria provided, single submitter. Criteria: Invitae Variant Classification Sherloc (09022015). Collection method: clinical testing. Allele origin: germline.
Comment: For these reasons, this variant has been classified as Pathogenic. This variant disrupts a region of the GJB1 protein in which other variant(s) (p.Ser258Profs*2) have been determined to be pathogenic (Invitae). This suggests that this is a clinically significant region of the protein, and that variants that disrupt it are likely to be disease-causing. ClinVar contains an entry for this variant (Variation ID: 521808). This variant is also known as del GT in codon 131–132. This premature translational stop signal has been observed in individual(s) with Charcot-Marie-Tooth disease (PMID: 9888385, 10093067). This variant is not present in population databases (gnomAD no frequency). This sequence change creates a premature translational stop signal (p.Trp132Valfs*14) in the GJB1 gene. While this is not anticipated to result in nonsense mediated decay, it is expected to disrupt the last 152 amino acid(s) of the GJB1 protein.

Mendelics
Classification: Pathogenic for Charcot-Marie-Tooth disease X-linked dominant 1. Last evaluated: 2019-05-28. Review status: criteria provided, single submitter. Criteria: Mendelics Assertion Criteria 2017. Collection method: clinical testing. Allele origin: unknown.

Ambry Genetics
Classification: Pathogenic for Inborn genetic diseases. Last evaluated: 2016-05-18. Review status: criteria provided, single submitter. Criteria: Ambry Variant Classification Scheme 2023. Collection method: clinical testing. Allele origin: germline.
Comment: The c.394_395delTG pathogenic mutation, located in coding exon 1 of the GJB1 gene, results from a deletion of two nucleotides between nucleotide positions 394 and 395, causing a translational frameshift with a predicted alternate stop codon. Since frameshifts are typically deleterious in nature, this alteration is interpreted as a disease-causing mutation (ACMG Recommendations for Standards for Interpretation and Reporting of Sequence Variations. Revision 2007. Genet Med. 2008;10:294).

Inherited Neuropathy Consortium Ii, University Of Miami
Classification: Uncertain significance for Charcot-Marie-Tooth disease X-linked dominant 1. Last evaluated: 2016-01-06. Review status: no assertion criteria provided. Collection method: literature only. Allele origin: germline. Affected: yes. Not counted in ClinVar's aggregate classification.

Inherited Neuropathy Consortium
Classification: Uncertain significance for Charcot-Marie-Tooth disease. Review status: no assertion criteria provided. Collection method: literature only. Allele origin: germline. Affected: yes. Not counted in ClinVar's aggregate classification.

Literature cited by the submitters: PubMed 9888385 (cited by Labcorp Genetics (formerly Invitae), Labcorp); PubMed 10093067 (cited by 3 submitters).